The following is an entry in ClinVar:

NM_003331.5(TYK2):c.2003C>T (p.Thr668Met)

Gene: TYK2 (tyrosine kinase 2; minus strand). Cytogenetic location: 19p13.2.
Variant type: single nucleotide variant.
Coding change: c.2003C>T on transcript NM_003331.5 (MANE Select); coding-DNA position 2003, C replaced by T.
Protein change: p.Thr668Met; replaces threonine 668 with methionine.
Molecular consequence: missense variant.
Genome position (GRCh38, 1-based): chr19:10,361,555, G>A on the plus strand (C>T on the coding strand, the complement: TYK2 is on the minus strand). VCF-style: chr19-10361555-G-A. GRCh37 (hg19) VCF-style: chr19-10472231-G-A.
Other names: c.2003C>T (LRG_121t1); short protein forms T668M.
Identifiers: ClinVar variation 252620 (VCV000252620.6), dbSNP rs146430107, ClinGen allele CA9193219.

ClinVar aggregate classification (germline): Uncertain significance. Review status: criteria provided, multiple submitters, no conflicts (2 of 4 stars). 2 submissions from 2 submitters: Uncertain significance (2). Last evaluated 2022-09-19.

Conditions:
Immunodeficiency 35 (IMD35). Also called: TYK2 DEFICIENCY; Susceptibility to infection due to TYK2 deficiency; HIES WITH ATYPICAL MYCOBACTERIOSIS, AUTOSOMAL RECESSIVE; HYPER-IgE SYNDROME WITH ATYPICAL MYCOBACTERIOSIS, AUTOSOMAL RECESSIVE. Identifiers: Orphanet 331226, MedGen C1969086, MONDO:0012682, OMIM 611521.

Allele frequency attached by ClinVar (database versions not stated): gnomAD exomes 0.00005 and 0.00008; ESP Exome Variant Server 0.00008; gnomAD 0.00008 and 0.00009; ExAC 0.00010; TOPMed 0.00012; 1000 Genomes Project 30x 0.00062; 1000 Genomes Project 0.00080.

Submissions (2):

Labcorp Genetics (formerly Invitae), Labcorp
Classification: Uncertain significance for Immunodeficiency 35. Last evaluated: 2022-09-19. Review status: criteria provided, single submitter. Criteria: Invitae Variant Classification Sherloc (09022015). Collection method: clinical testing. Allele origin: germline.
Comment: This sequence change replaces threonine, which is neutral and polar, with methionine, which is neutral and non-polar, at codon 668 of the TYK2 protein (p.Thr668Met). The frequency data for this variant in the population databases is considered unreliable, as metrics indicate poor data quality at this position in the gnomAD database. This variant has not been reported in the literature in individuals affected with TYK2-related conditions. ClinVar contains an entry for this variant (Variation ID: 252620). Advanced modeling of protein sequence and biophysical properties (such as structural, functional, and spatial information, amino acid conservation, physicochemical variation, residue mobility, and thermodynamic stability) performed at Invitae indicates that this missense variant is expected to disrupt TYK2 protein function. In summary, the available evidence is currently insufficient to determine the role of this variant in disease. Therefore, it has been classified as a Variant of Uncertain Significance.

Genomic Diagnostic Laboratory, Division of Genomic Diagnostics, Children's Hospital of Philadelphia
Classification: Uncertain significance. Last evaluated: 2015-10-13. Review status: criteria provided, single submitter. Criteria: DGD Variant Analysis Guidelines. Collection method: clinical testing. Allele origin: unknown.